The following is an entry in ClinVar:

ClinVar aggregate classification (germline): Likely pathogenic (1 of 4 stars; one submission).

Conditions:
Autosomal recessive limb-girdle muscular dystrophy type 2D (LGMDR3). Also called: ADHALINOPATHY, PRIMARY; DUCHENNE-LIKE AUTOSOMAL RECESSIVE MUSCULAR DYSTROPHY, TYPE 2; MUSCULAR DYSTROPHY, LIMB-GIRDLE, AUTOSOMAL RECESSIVE 3. Identifiers: Orphanet 62, MedGen C2936332, MONDO:0011968, OMIM 608099. Disease mechanism: Affects gamma-sarcoglycan and also disrupts the integrity of the entire sarcoglycan complex..

Submission:

Labcorp Genetics (formerly Invitae), Labcorp
Classification: Likely pathogenic for Autosomal recessive limb-girdle muscular dystrophy type 2D. Last evaluated: 2023-10-20. Review status: criteria provided, single submitter. Criteria: Invitae Variant Classification Sherloc (09022015). Collection method: clinical testing. Allele origin: germline.
Comment: This sequence change affects a donor splice site in intron 5 of the SGCA gene. It is expected to disrupt RNA splicing. Variants that disrupt the donor or acceptor splice site typically lead to a loss of protein function (PMID: 16199547), and loss-of-function variants in SGCA are known to be pathogenic (PMID: 9192266). This variant is not present in population databases (gnomAD no frequency). Disruption of this splice site has been observed in individual(s) with limb-girdle muscular dystrophy (PMID: 32875335). ClinVar contains an entry for this variant (Variation ID: 1473051). Algorithms developed to predict the effect of sequence changes on RNA splicing suggest that this variant may disrupt the consensus splice site. In summary, the currently available evidence indicates that the variant is pathogenic, but additional data are needed to prove that conclusively. Therefore, this variant has been classified as Likely Pathogenic.

Literature cited by the submitters: PubMed 16199547; PubMed 9192266; PubMed 32875335.

NM_000023.4(SGCA):c.584+1G>A

Gene: SGCA (sarcoglycan alpha; plus strand). Cytogenetic location: 17q21.33.
Variant type: single nucleotide variant.
Coding change: c.584+1G>A on transcript NM_000023.4 (MANE Select); the canonical splice donor site of the intron after coding-DNA position 584, G replaced by A.
Molecular consequence: splice donor variant.
Genome position (GRCh38, 1-based): chr17:50,168,573, G>A. VCF-style: chr17-50168573-G-A. GRCh37 (hg19) VCF-style: chr17-48245934-G-A.
Other names: c.584+1G>A (NM_001135697.3).
Identifiers: ClinVar variation 1473051 (VCV001473051.9), dbSNP rs2144497138, ClinGen allele CA400180179.